The following is an entry in ClinVar:

ClinVar aggregate classification (germline): Likely benign (0 of 4 stars; one submission).

Conditions:
LEPR-related disorder. Also called: LEPR-related disorders; LEPR-related condition.

Submission:

PreventionGenetics, part of Exact Sciences
Classification: Likely benign for LEPR-related condition. Last evaluated: 2019-10-28. Review status: no assertion criteria provided. Collection method: clinical testing. Allele origin: germline.
Comment: This variant is classified as likely benign based on ACMG/AMP sequence variant interpretation guidelines (Richards et al. 2015 PMID: 25741868, with internal and published modifications).

NM_002303.6(LEPR):c.371-13_371-9del

Gene: LEPR (leptin receptor; plus strand). Cytogenetic location: 1p31.3.
Variant type: Deletion.
Coding change: c.371-13_371-9del on transcript NM_002303.6 (MANE Select); 13 bases into the intron before coding-DNA position 371 through 9 bases into the intron before coding-DNA position 371, 5 bases deleted (TTTTT; older notation c.371-13_371-9delTTTTT).
Molecular consequence: intron variant.
Genome position (GRCh38, 1-based): chr1:65,572,313-65,572,317, TTTTT deleted; deleting any 5 consecutive bases within chr1:65,572,291-65,572,317 gives the same sequence; the c. name uses the placement nearest the transcript's 3' end. VCF-style (leftmost placement, unchanged base first): chr1-65572290-GTTTTT-G. GRCh37 (hg19) VCF-style: chr1-66037973-GTTTTT-G.
Other names: c.371-13_371-9del (NM_001003679.3, NM_001003680.3, NM_001198689.2 and 2 more transcripts).
Identifiers: ClinVar variation 3059924 (VCV003059924.2), dbSNP rs747467075, ClinGen allele CA737920180.
Genomic context (GRCh38, chr1:65,572,290, plus strand): 5'-TTGATTTAGCTCTTCTCTTTCACTGAGTTGTTCAGATGGTTTTTGAGATTTCATGTAGTT[GTTTTT>G]TTTTTTTTTTTTTTTTTTTTTTAAATTCAGATGCAAACTGGAACATACAGTGCTGGCTAA-3'